The following is an entry in ClinVar:

NM_001387283.1(SMARCA4):c.4261T>C (p.Ser1421Pro)

Gene: SMARCA4 (SWI/SNF related BAF chromatin remodeling complex subunit ATPase 4; plus strand). Cytogenetic location: 19p13.2.
Variant type: single nucleotide variant.
Coding change: c.4261T>C on transcript NM_001387283.1 (MANE Plus Clinical); coding-DNA position 4261, T replaced by C.
Protein change: p.Ser1421Pro; replaces serine 1421 with proline.
Molecular consequence: missense variant. On other transcripts: intron variant (7).
Genome position (GRCh38, 1-based): chr19:11,039,548, T>C. VCF-style: chr19-11039548-T-C. GRCh37 (hg19) VCF-style: chr19-11150224-T-C.
Other names: c.4261T>C, p.Ser1421Pro (NM_001128849.3); c.4171-1759T>C (NM_001128844.3, NM_003072.5); c.4072-1759T>C (NM_001128847.4, NM_001374457.1, NM_001128848.2); c.4072-1750T>C (NM_001128845.2, NM_001128846.2); short protein forms S1421P.
Identifiers: ClinVar variation 484856 (VCV000484856.19), dbSNP rs776681345, ClinGen allele CA9204646.

ClinVar aggregate classification (germline): Conflicting classifications of pathogenicity. Review status: criteria provided, conflicting classifications (1 of 4 stars). 5 submissions from 5 submitters: Uncertain significance (4); Likely benign (1). Last evaluated 2025-07-30.

Conditions:
Rhabdoid tumor predisposition syndrome 2 (RTPS2). Identifiers: Orphanet 231108, Orphanet 69077, MedGen C2750074, MONDO:0013224, OMIM 613325.
Hereditary cancer-predisposing syndrome. Also called: Tumor predisposition; Hereditary neoplastic syndrome; Neoplastic Syndromes, Hereditary; Hereditary Cancer Syndrome. Identifiers: Orphanet 140162, MedGen C0027672, MeSH D009386, MONDO:0015356.

Allele frequency attached by ClinVar (database versions not stated): TOPMed 0.00001.
gnomAD v4.1: 8 of 1,594,156 alleles (0.0005%); highest among the groups gnomAD compares: Admixed American, 0.012%; no homozygotes.

Submissions (5):

Quest Diagnostics Nichols Institute San Juan Capistrano
Classification: Uncertain significance. Last evaluated: 2025-07-30. Review status: criteria provided, single submitter. Criteria: Quest Diagnostics criteria. Collection method: clinical testing. Allele origin: unknown.
Comment: The SMARCA4 c.4261T>C (p.Ser1421Pro) variant has not been reported in individuals with SMARCA4-related conditions in the published literature. The frequency of this variant in the general population (Genome Aggregation Database) is higher than would generally be expected for pathogenic variants in this gene. Analysis of this variant using bioinformatics tools for the prediction of the effect of amino acid changes on protein structure and function yielded predictions that this variant is benign. Based on the available information, we are unable to determine the clinical significance of this variant.

Labcorp Genetics (formerly Invitae), Labcorp
Classification: Uncertain significance for Rhabdoid tumor predisposition syndrome 2. Last evaluated: 2025-05-14. Review status: criteria provided, single submitter. Criteria: Invitae Variant Classification Sherloc (09022015). Collection method: clinical testing. Allele origin: germline.
Comment: This sequence change replaces serine, which is neutral and polar, with proline, which is neutral and non-polar, at codon 1421 of the SMARCA4 protein (p.Ser1421Pro). This variant is present in population databases (rs776681345, gnomAD 0.01%). This variant has not been reported in the literature in individuals affected with SMARCA4-related conditions. ClinVar contains an entry for this variant (Variation ID: 484856). An algorithm developed to predict the effect of missense changes on protein structure and function (PolyPhen-2) suggests that this variant is likely to be tolerated. In summary, the available evidence is currently insufficient to determine the role of this variant in disease. Therefore, it has been classified as a Variant of Uncertain Significance.

GeneDx
Classification: Uncertain significance. Last evaluated: 2023-12-19. Review status: criteria provided, single submitter. Criteria: GeneDx Variant Classification Process June 2021. Collection method: clinical testing. Allele origin: germline.
Comment: In silico analysis supports that this missense variant does not alter protein structure/function; Has not been previously published as pathogenic or benign to our knowledge

Sema4
Classification: Uncertain significance for Hereditary cancer-predisposing syndrome. Last evaluated: 2021-05-14. Review status: criteria provided, single submitter. Criteria: Sema4 Curation Guidelines. Collection method: curation. Allele origin: germline.
Comment: The SMARCA4 c.4261T>C (p.S1421P) variant has not been reported in literature to our knowledge. This variant was observed in 3/29606 chromosomes in the Latino subpopulation according to the Genome Aggregation Database (PMID: 32461654). This variant has been reported in ClinVar (Variation ID 484856). Computational analyses and evolutionary conservation data do not provide strong support for or against an impact to the protein, however these predictions have not been confirmed by published functional studies. The overall evidence is insufficient to meet ACMG/AMP criteria for classifying it as benign or pathogenic. In summary, the clinical significance of this variant is currently uncertain.

Ambry Genetics
Classification: Likely benign for Hereditary cancer-predisposing syndrome. Last evaluated: 2021-01-26. Review status: criteria provided, single submitter. Criteria: Ambry Variant Classification Scheme 2023. Collection method: clinical testing. Allele origin: germline.